The following is an entry in ClinVar:

NC_000003.11:g.(?_70013978)_(70014399_?)del

Gene: MITF (melanocyte inducing transcription factor; plus strand). Cytogenetic location: 3p13.
Variant type: Deletion.
Identifiers: ClinVar variation 2422629 (VCV002422629.2).

ClinVar aggregate classification (germline): Pathogenic (1 of 4 stars; one submission).

Conditions:
Melanoma, cutaneous malignant, susceptibility to, 8. Also called: Cutaneous malignant melanoma 8; MELANOMA AND RENAL CELL CARCINOMA, SUSCEPTIBILITY TO. Identifiers: Orphanet 293822, MedGen C3152204, MONDO:0013759, OMIM 614456.
Waardenburg syndrome type 2A (WS2A). Also called: WAARDENBURG SYNDROME WITHOUT DYSTOPIA CANTHORUM. Identifiers: Orphanet 3440, MedGen C1860339, MONDO:0008671, OMIM 193510.
Tietz syndrome (TADS). Also called: TIETZ ALBINISM-DEAFNESS SYNDROME; HYPOPIGMENTATION/DEAFNESS OF TIETZ; ALBINISM-DEAFNESS OF TIETZ. Identifiers: Orphanet 42665, MedGen C0391816, MONDO:0007077, OMIM 103500.

Submission:

Labcorp Genetics (formerly Invitae), Labcorp
Classification: Pathogenic for Melanoma, cutaneous malignant, susceptibility to, 8; Waardenburg syndrome type 2A; Tietz syndrome. Last evaluated: 2022-10-21. Review status: criteria provided, single submitter. Criteria: Invitae Variant Classification Sherloc (09022015). Collection method: clinical testing. Allele origin: germline.
Comment: For these reasons, this variant has been classified as Pathogenic. This variant disrupts a region of the MITF protein in which other variant(s) (p.Leu341Argfs*18) have been determined to be pathogenic (PMID: 30936914). This suggests that this is a clinically significant region of the protein, and that variants that disrupt it are likely to be disease-causing. This variant has not been reported in the literature in individuals affected with MITF-related conditions. This variant is a gross deletion of the genomic region encompassing exon(s) 9 of the MITF gene, which includes the termination codon. This deletion extends beyond the assayed region for this gene and therefore may encompass additional genes. While this deletion is not anticipated to lead to nonsense mediated decay, it is expected to alter mRNA translation or result in a truncated protein product.

Literature cited by the submitters: PubMed 30936914.